The following is an entry in ClinVar:

NM_000751.3(CHRND):c.580C>T (p.Pro194Ser)

Gene: CHRND (cholinergic receptor nicotinic delta subunit; plus strand). Cytogenetic location: 2q37.1.
Variant type: single nucleotide variant.
Coding change: c.580C>T on transcript NM_000751.3 (MANE Select); coding-DNA position 580, C replaced by T.
Protein change: p.Pro194Ser; replaces proline 194 with serine.
Molecular consequence: missense variant. On other transcripts: intron variant (1).
Genome position (GRCh38, 1-based): chr2:232,528,932, C>T. VCF-style: chr2-232528932-C-T. GRCh37 (hg19) VCF-style: chr2-233393642-C-T.
Other names: c.535C>T, p.Pro179Ser (NM_001256657.2); c.277C>T, p.Pro93Ser (NM_001311196.2); c.238+276C>T (NM_001311195.2); short protein forms P179S, P194S, P93S.
Identifiers: ClinVar variation 4537028 (VCV004537028.1).
Genomic context (GRCh38, chr2:232,528,932, plus strand): 5'-TATACGGCCAAAGAGATCACCCTGAGCCTGAAACAGGATGCCAAGGAGAACCGCACCTAC[C>T]CCGTGGAGTGGATCATCATTGATCCTGAAGGCTTCACAGGTGCTGGGAACAGCCGCCAGT-3'
Protein context (NP_000742.1, residues 184-204): KQDAKENRTY[Pro194Ser]VEWIIIDPEG

ClinVar aggregate classification (germline): Uncertain significance (1 of 4 stars; one submission).

gnomAD v4.1: 2 of 1,614,142 alleles (0.00012%); highest among the groups gnomAD compares: Non-Finnish European, 0.00017%; no homozygotes.

Submission:

Women's Health and Genetics/Laboratory Corporation of America, LabCorp
Classification: Uncertain significance. Last evaluated: 2025-11-06. Review status: criteria provided, single submitter. Criteria: LabCorp Variant Classification Summary - May 2015. Collection method: clinical testing. Allele origin: germline.
Comment: Variant summary: CHRND c.580C>T (p.Pro194Ser) results in a non-conservative amino acid change in the encoded protein sequence. Algorithms developed to predict the effect of missense changes on protein structure and function are either unavailable or do not agree on the potential impact of this missense change. The variant allele was found at a frequency of 4e-06 in 251412 control chromosomes. The available data on variant occurrences in the general population are insufficient to allow any conclusion about variant significance. To our knowledge, no occurrence of c.580C>T in individuals affected with CHRND-related conditions and no experimental evidence demonstrating its impact on protein function have been reported. No submitters have cited clinical-significance assessments for this variant to ClinVar. Based on the evidence outlined above, the variant was classified as uncertain significance.